The following is an entry in ClinVar:

ClinVar aggregate classification (germline): Uncertain significance (1 of 4 stars; one submission).

Conditions:
Hereditary cancer-predisposing syndrome. Also called: Hereditary Cancer Syndrome; Hereditary neoplastic syndrome; Tumor predisposition; Neoplastic Syndromes, Hereditary. Identifiers: Orphanet 140162, MedGen C0027672, MeSH D009386, MONDO:0015356.

Submission:

Ambry Genetics
Classification: Uncertain significance for Hereditary cancer-predisposing syndrome. Last evaluated: 2025-04-30. Review status: criteria provided, single submitter. Criteria: Ambry Variant Classification Scheme 2023. Collection method: clinical testing. Allele origin: germline.
Comment: The p.G835A variant (also known as c.2504G>C), located in coding exon 15 of the PMS2 gene, results from a G to C substitution at nucleotide position 2504. The glycine at codon 835 is replaced by alanine, an amino acid with similar properties. This amino acid position is highly conserved in available vertebrate species. In addition, the in silico prediction for this alteration is inconclusive. Based on the available evidence, the clinical significance of this variant remains unclear.

NM_000535.7(PMS2):c.2504G>C (p.Gly835Ala)

Gene: PMS2 (PMS1 homolog 2, mismatch repair system component; minus strand). Cytogenetic location: 7p22.1.
Variant type: single nucleotide variant.
Coding change: c.2504G>C on transcript NM_000535.7 (MANE Select); coding-DNA position 2504, G replaced by C.
Protein change: p.Gly835Ala; replaces glycine 835 with alanine.
Molecular consequence: missense variant. On other transcripts: non-coding transcript variant (1).
Genome position (GRCh38, 1-based): chr7:5,973,484, C>G on the plus strand (G>C on the coding strand, the complement: PMS2 is on the minus strand). VCF-style: chr7-5973484-C-G. GRCh37 (hg19) VCF-style: chr7-6013115-C-G.
Other names: c.2099G>C, p.Gly700Ala (NM_001018040.1, NM_001322003.2, NM_001322004.2 and 12 more transcripts); c.2348G>C, p.Gly783Ala (NM_001322006.2); c.2186G>C, p.Gly729Ala (NM_001322007.2, NM_001322008.2, NM_001406883.1); c.2132G>C, p.Gly711Ala (NM_001322009.2, NM_001406887.1, NM_001406888.1); c.1943G>C, p.Gly648Ala (NM_001322010.2, NM_001406906.1, NM_001406907.1); c.1571G>C, p.Gly524Ala (NM_001322011.2, NM_001322012.2); c.1931G>C, p.Gly644Ala (NM_001322013.2, NM_001406908.1, NM_001406909.1); c.2537G>C, p.Gly846Ala (NM_001322014.2); and 20 more; short protein forms G673A, G723A, G732A, G835A, G843A, G664A, G596A, G700A.
Identifiers: ClinVar variation 1792294 (VCV001792294.3), dbSNP rs1454373685, ClinGen allele CA366734915.
Genomic context (GRCh38, chr7:5,973,484, plus strand): 5'-TTGGCGATGTGTCTCATGGTTGGCCTTCCATGGGGACAGTTCCAGGGGTGGTCCATCTCC[C>G]CCATGTGGGTGATCAGTTTCTTCATCTCGCTTGTGTTAAGAGCAGTCCCAATCATCACCT-3'
Protein context (NP_000526.2, residues 825-845): SEMKKLITHM[Gly835Ala]EMDHPWNCPH